The following is an entry in ClinVar:

ClinVar aggregate classification (germline): Likely pathogenic. Review status: criteria provided, multiple submitters, no conflicts (2 of 4 stars). 3 submissions from 3 submitters: Likely pathogenic (3). Last evaluated 2025-11-17.

Conditions:
Combined malonic and methylmalonic acidemia. Identifiers: Orphanet 289504, MedGen C3280314, MONDO:0013661, OMIM 614265.

Submissions (3):

Natera, Inc.
Classification: Likely pathogenic for Combined malonic and methylmalonic aciduria. Last evaluated: 2025-11-17. Review status: criteria provided, single submitter. Criteria: Natera Variant Classification Schema (03/2026). Collection method: clinical testing. Allele origin: germline.
Comment: The c.978-2A>G variant in ACSF3 is a canonical splice acceptor site variant predicted to affect pre-mRNA splicing, which may result in an abnormal transcript and altered protein product. This variant is expected to result in nonsense mediated decay, truncation, or a dysfunctional protein product. This variant is rare in the general population with a frequency below the threshold expected for the associated phenotype(s). Given the available evidence, this variant is classified as Likely Pathogenic.

Baylor Genetics
Classification: Likely pathogenic for Combined malonic and methylmalonic acidemia. Last evaluated: 2023-12-30. Review status: criteria provided, single submitter. Criteria: ACMG Guidelines, 2015. Collection method: clinical testing. Allele origin: unknown.

Labcorp Genetics (formerly Invitae), Labcorp
Classification: Likely pathogenic for Combined malonic and methylmalonic acidemia. Last evaluated: 2023-06-09. Review status: criteria provided, single submitter. Criteria: Invitae Variant Classification Sherloc (09022015). Collection method: clinical testing. Allele origin: germline.
Comment: In summary, the currently available evidence indicates that the variant is pathogenic, but additional data are needed to prove that conclusively. Therefore, this variant has been classified as Likely Pathogenic. Algorithms developed to predict the effect of sequence changes on RNA splicing suggest that this variant may disrupt the consensus splice site. This sequence change affects an acceptor splice site in intron 5 of the ACSF3 gene. It is expected to disrupt RNA splicing. Variants that disrupt the donor or acceptor splice site typically lead to a loss of protein function (PMID: 16199547), and loss-of-function variants in ACSF3 are known to be pathogenic (PMID: 21841779, 26827111). This variant is not present in population databases (gnomAD no frequency). This variant has not been reported in the literature in individuals affected with ACSF3-related conditions. ClinVar contains an entry for this variant (Variation ID: 2160724).

Literature cited by the submitters: PubMed 16199547 (cited by Labcorp Genetics (formerly Invitae), Labcorp); PubMed 21841779 (cited by Labcorp Genetics (formerly Invitae), Labcorp); PubMed 26827111 (cited by Labcorp Genetics (formerly Invitae), Labcorp).

NM_001243279.3(ACSF3):c.978-2A>G

Genes: ACSF3 (acyl-CoA synthetase family member 3; plus strand), LOC125177393 (P300/CBP strongly-dependent group 1 enhancer GRCh37_chr16:89180375-89181574; plus strand). Cytogenetic location: 16q24.3.
Variant type: single nucleotide variant.
Coding change: c.978-2A>G on transcript NM_001243279.3 (MANE Select); the canonical splice acceptor site of the intron before coding-DNA position 978, A replaced by G.
Molecular consequence: splice acceptor variant.
Genome position (GRCh38, 1-based): chr16:89,114,337, A>G. VCF-style: chr16-89114337-A-G. GRCh37 (hg19) VCF-style: chr16-89180745-A-G.
Other names: c.978-2A>G (NM_174917.4, NM_001127214.4, NM_174917.5); c.183-2A>G (NM_001284316.2).
Identifiers: ClinVar variation 2160724 (VCV002160724.6), dbSNP rs947840739, ClinGen allele CA286469613.